The following is an entry in ClinVar:

ClinVar aggregate classification (germline): Uncertain significance (1 of 4 stars; one submission).

Submission:

Ambry Genetics
Classification: Uncertain significance. Last evaluated: 2026-06-14. Review status: criteria provided, single submitter. Criteria: Ambry Variant Classification Scheme 2023. Collection method: clinical testing. Allele origin: germline.
Comment: The p.I433T variant (also known as c.1298T>C), located in coding exon 13 of the SRP72 gene, results from a T to C substitution at nucleotide position 1298. The isoleucine at codon 433 is replaced by threonine, an amino acid with similar properties. This amino acid position is conserved. In addition, this alteration is predicted to be deleterious by in silico analysis. Based on the available evidence, the clinical significance of this variant remains unclear.

NM_006947.4(SRP72):c.1298T>C (p.Ile433Thr)

Gene: SRP72 (signal recognition particle 72; plus strand). Cytogenetic location: 4q12.
Variant type: single nucleotide variant.
Coding change: c.1298T>C on transcript NM_006947.4 (MANE Select); coding-DNA position 1298, T replaced by C.
Protein change: p.Ile433Thr; replaces isoleucine 433 with threonine.
Molecular consequence: missense variant. On other transcripts: non-coding transcript variant (1).
Genome position (GRCh38, 1-based): chr4:56,489,461, T>C. VCF-style: chr4-56489461-T-C. GRCh37 (hg19) VCF-style: chr4-57355627-T-C.
Other names: c.1115T>C, p.Ile372Thr (NM_001267722.2); short protein forms I372T, I433T.
Identifiers: ClinVar variation 4865160 (VCV004865160.1).